The following is an entry in ClinVar:

NC_000009.12:g.35658094T>C

Gene: RMRP (RNA component of mitochondrial RNA processing endoribonuclease; minus strand). Cytogenetic location: 9p13.3.
Variant type: single nucleotide variant.
Genome position: GRCh38 VCF-style: chr9-35658094-T-C. GRCh37 (hg19) VCF-style: chr9-35658091-T-C.
Identifiers: ClinVar variation 1965398 (VCV001965398.2), dbSNP rs1368573414, ClinGen allele CA863579117.
Genomic context (GRCh38, chr9:35,658,094, plus strand): 5'-CAGAGTAGTATTTTATAGCCCTAAAGAAATTGTGTTTTATGATTAGGGTGAGAAAGTTGG[T>C]GGCGTGAGATTAAAAAAACCGTTTTCGGGCATAACTTTCTAAGACTATAGGCTTTCAGAG-3'

ClinVar aggregate classification (germline): Uncertain significance (1 of 4 stars; one submission).

Conditions:
Anauxetic dysplasia. Identifiers: Orphanet 93347, MedGen C1846796, MONDO:0011773.

Allele frequency attached by ClinVar (database versions not stated): gnomAD 0.00001; TOPMed 0.00001.

Submission:

Labcorp Genetics (formerly Invitae), Labcorp
Classification: Uncertain significance for Anauxetic dysplasia. Last evaluated: 2021-09-27. Review status: criteria provided, single submitter. Criteria: Invitae Variant Classification Sherloc (09022015). Collection method: clinical testing. Allele origin: germline.
Comment: This variant occurs in the RMRP gene, which encodes an RNA molecule that does not result in a protein product. The frequency data for this variant in the population databases is considered unreliable, as metrics indicate insufficient coverage at this position in the ExAC database. This variant has not been reported in the literature in individuals affected with RMRP-related conditions. Experimental studies and prediction algorithms are not available or were not evaluated, and the functional significance of this variant is currently unknown. In summary, the available evidence is currently insufficient to determine the role of this variant in disease. Therefore, it has been classified as a Variant of Uncertain Significance.